The following is an entry in ClinVar:

ClinVar aggregate classification (germline): Uncertain significance (1 of 4 stars; one submission).

gnomAD v4.1: 2 of 1,613,030 alleles (0.00012%); highest among the groups gnomAD compares: Admixed American, 0.0017%; no homozygotes.

Submission:

Labcorp Genetics (formerly Invitae), Labcorp
Classification: Uncertain significance. Last evaluated: 2025-03-31. Review status: criteria provided, single submitter. Criteria: Invitae Variant Classification Sherloc (09022015). Collection method: clinical testing. Allele origin: germline.
Comment: This sequence change replaces valine, which is neutral and non-polar, with leucine, which is neutral and non-polar, at codon 182 of the COL11A2 protein (p.Val182Leu). This variant is present in population databases (no rsID available, gnomAD 0.003%). This variant has not been reported in the literature in individuals affected with COL11A2-related conditions. ClinVar contains an entry for this variant (Variation ID: 1450900). Invitae Evidence Modeling of protein sequence and biophysical properties (such as structural, functional, and spatial information, amino acid conservation, physicochemical variation, residue mobility, and thermodynamic stability) indicates that this missense variant is not expected to disrupt COL11A2 protein function with a negative predictive value of 95%. In summary, the available evidence is currently insufficient to determine the role of this variant in disease. Therefore, it has been classified as a Variant of Uncertain Significance.

NM_080680.3(COL11A2):c.544G>T (p.Val182Leu)

Gene: COL11A2 (collagen type XI alpha 2 chain; minus strand). Cytogenetic location: 6p21.32.
Variant type: single nucleotide variant.
Coding change: c.544G>T on transcript NM_080680.3 (MANE Select); coding-DNA position 544, G replaced by T.
Protein change: p.Val182Leu; replaces valine 182 with leucine.
Molecular consequence: missense variant.
Genome position (GRCh38, 1-based): chr6:33,188,424, C>A on the plus strand (G>T on the coding strand, the complement: COL11A2 is on the minus strand). VCF-style: chr6-33188424-C-A. GRCh37 (hg19) VCF-style: chr6-33156201-C-A.
Other names: c.544G>T, p.Val182Leu (NM_001163771.2, NM_080679.3, NM_080681.3); short protein forms V182L.
Identifiers: ClinVar variation 1450900 (VCV001450900.6), dbSNP rs375937729, ClinGen allele CA363611395.